The following is an entry in ClinVar:

ClinVar aggregate classification (germline): Likely benign. Review status: criteria provided, single submitter (1 of 4 stars). 2 submissions from 2 submitters: Likely benign (1). 1 of the submissions does not count toward it. Last evaluated 2025-09-02.

Conditions:
NALCN-related disorder. Also called: NALCN-related disorders; NALCN-related condition.

Allele frequency attached by ClinVar (database versions not stated): TOPMed 0.00002.

Submissions (2):

Labcorp Genetics (formerly Invitae), Labcorp
Classification: Likely benign. Last evaluated: 2025-09-02. Review status: criteria provided, single submitter. Criteria: Invitae Variant Classification Sherloc (09022015). Collection method: clinical testing. Allele origin: germline.

PreventionGenetics, part of Exact Sciences
Classification: Likely benign for NALCN-related condition. Last evaluated: 2019-06-13. Review status: no assertion criteria provided. Collection method: clinical testing. Allele origin: germline. Not counted in ClinVar's aggregate classification.
Comment: This variant is classified as likely benign based on ACMG/AMP sequence variant interpretation guidelines (Richards et al. 2015 PMID: 25741868, with internal and published modifications).

NM_052867.4(NALCN):c.318C>T (p.Arg106=)

Gene: NALCN (sodium leak channel, non-selective; minus strand). Cytogenetic location: 13q33.1.
Variant type: single nucleotide variant.
Coding change: c.318C>T on transcript NM_052867.4 (MANE Select); coding-DNA position 318, C replaced by T.
Protein change: p.Arg106=; no amino-acid change (arginine 106 retained).
Molecular consequence: synonymous variant.
Genome position (GRCh38, 1-based): chr13:101,378,627, G>A on the plus strand (C>T on the coding strand, the complement: NALCN is on the minus strand). VCF-style: chr13-101378627-G-A. GRCh37 (hg19) VCF-style: chr13-102030978-G-A.
Other names: c.318C>T, p.Arg106= (NM_001350748.2, NM_001350749.2, NM_001350750.2 and 1 more transcripts); c.318C>T (NM_052867.2).
Identifiers: ClinVar variation 1950645 (VCV001950645.7), dbSNP rs2046759825, ClinGen allele CA484764149.